The following is an entry in ClinVar:

ClinVar aggregate classification (germline): Uncertain significance (1 of 4 stars; one submission).

Conditions:
Catecholaminergic polymorphic ventricular tachycardia 1. Also called: VENTRICULAR TACHYCARDIA, CATECHOLAMINERGIC POLYMORPHIC, 1, WITH OR WITHOUT ATRIAL DYSFUNCTION AND/OR DILATED CARDIOMYOPATHY; RYR2-Related Catecholaminergic Polymorphic Ventricular Tachycardia; VENTRICULAR TACHYCARDIA, STRESS-INDUCED POLYMORPHIC 1. Identifiers: Orphanet 3286, MedGen C1631597, MONDO:0011484, OMIM 604772.

Submission:

Labcorp Genetics (formerly Invitae), Labcorp
Classification: Uncertain significance for Catecholaminergic polymorphic ventricular tachycardia 1. Last evaluated: 2024-05-21. Review status: criteria provided, single submitter. Criteria: Invitae Variant Classification Sherloc (09022015). Collection method: clinical testing. Allele origin: germline.
Comment: This sequence change creates a premature translational stop signal (p.Tyr725Metfs*17) in the RYR2 gene. It is expected to result in an absent or disrupted protein product. However, the current clinical and genetic evidence is not sufficient to establish whether loss-of-function variants in RYR2 cause disease. This variant is not present in population databases (gnomAD no frequency). This variant has not been reported in the literature in individuals affected with RYR2-related conditions. In summary, the available evidence is currently insufficient to determine the role of this variant in disease. Therefore, it has been classified as a Variant of Uncertain Significance.

NM_001035.3(RYR2):c.2172del (p.Tyr725fs)

Gene: RYR2 (ryanodine receptor 2; plus strand). Cytogenetic location: 1q43.
Variant type: Deletion.
Coding change: c.2172del on transcript NM_001035.3 (MANE Select); coding-DNA position 2172, one base deleted (C; older notation c.2172delC).
Protein change: p.Tyr725fs; shifts the reading frame from tyrosine 725.
Molecular consequence: frameshift variant.
Genome position (GRCh38, 1-based): chr1:237,496,721, C deleted; the last of 2 consecutive C bases (chr1:237,496,720-237,496,721); deleting either gives the same sequence. VCF-style (leftmost placement, unchanged base first): chr1-237496719-TC-T. GRCh37 (hg19) VCF-style: chr1-237660019-TC-T.
Other names: short protein forms Y725fs.
Identifiers: ClinVar variation 3654120 (VCV003654120.2).
Genomic context (GRCh38, chr1:237,496,719, plus strand): 5'-TCTCCCTACCCTGGAGGGGGCGAAGAGTGGGGTGGAAATGGTGTTGGAGATGATCTCTTC[TC>T]CTATGGATTTGATGGCCTTCATCTCTGGTCAGGTACGTACTATCCATTTTCTTTCACCGT-3'